The following is an entry in ClinVar:

ClinVar aggregate classification (germline): Uncertain significance (1 of 4 stars; one submission).

Allele frequency attached by ClinVar (database versions not stated): gnomAD 0.00001; ExAC 0.00002; gnomAD exomes 0.00002; ESP Exome Variant Server 0.00015.
gnomAD v4.1: 33 of 1,613,986 alleles (0.002%); highest among the groups gnomAD compares: East Asian, 0.013%; no homozygotes.

Submission:

Labcorp Genetics (formerly Invitae), Labcorp
Classification: Uncertain significance. Last evaluated: 2024-04-23. Review status: criteria provided, single submitter. Criteria: Invitae Variant Classification Sherloc (09022015). Collection method: clinical testing. Allele origin: germline.
Comment: This sequence change replaces proline, which is neutral and non-polar, with leucine, which is neutral and non-polar, at codon 406 of the IL6R protein (p.Pro406Leu). This variant is present in population databases (rs150127972, gnomAD 0.02%). This variant has not been reported in the literature in individuals affected with IL6R-related conditions. ClinVar contains an entry for this variant (Variation ID: 1485949). An algorithm developed to predict the effect of missense changes on protein structure and function (PolyPhen-2) suggests that this variant is likely to be disruptive. In summary, the available evidence is currently insufficient to determine the role of this variant in disease. Therefore, it has been classified as a Variant of Uncertain Significance.

NM_000565.4(IL6R):c.1217C>T (p.Pro406Leu)

Gene: IL6R (interleukin 6 receptor; plus strand). Cytogenetic location: 1q21.3.
Variant type: single nucleotide variant.
Coding change: c.1217C>T on transcript NM_000565.4 (MANE Select); coding-DNA position 1217, C replaced by T.
Protein change: p.Pro406Leu; replaces proline 406 with leucine.
Molecular consequence: missense variant. On other transcripts: 3 prime UTR variant (2).
Genome position (GRCh38, 1-based): chr1:154,465,190, C>T. VCF-style: chr1-154465190-C-T. GRCh37 (hg19) VCF-style: chr1-154437666-C-T.
Other names: c.1316C>T, p.Pro439Leu (NM_001382769.1); c.1310C>T, p.Pro437Leu (NM_001382770.1); c.1265C>T, p.Pro422Leu (NM_001382771.1); c.1211C>T, p.Pro404Leu (NM_001382772.1); c.*25C>T (NM_001382773.1, NM_181359.3); c.857C>T, p.Pro286Leu (NM_001382774.1); short protein forms P406L, P422L, P437L, P439L, P404L, P286L.
Identifiers: ClinVar variation 1485949 (VCV001485949.6), dbSNP rs150127972, ClinGen allele CA1129322.